The following is an entry in ClinVar:

ClinVar aggregate classification (germline): Uncertain significance (1 of 4 stars; one submission).

Conditions:
Perrault syndrome. Also called: Gonadal dysgenesis with auditory dysfunction, autosomal recessive inheritance. Identifiers: Orphanet 2855, MedGen C0685838, MONDO:0017312.
Bifunctional peroxisomal enzyme deficiency (DBIF). Also called: PBFE DEFICIENCY; D-bifunctional protein deficiency; DBP DEFICIENCY. Identifiers: Orphanet 300, MedGen C0342870, MONDO:0009855, OMIM 261515. Disease mechanism: loss of function.

Allele frequency attached by ClinVar (database versions not stated): gnomAD exomes 0.00001; ExAC 0.00002.
gnomAD v4.1: 5 of 1,613,044 alleles (0.00031%); highest among the groups gnomAD compares: African/African-American, 0.004%; no homozygotes.

Submission:

Labcorp Genetics (formerly Invitae), Labcorp
Classification: Uncertain significance for Perrault syndrome; Bifunctional peroxisomal enzyme deficiency. Last evaluated: 2023-10-03. Review status: criteria provided, single submitter. Criteria: Invitae Variant Classification Sherloc (09022015). Collection method: clinical testing. Allele origin: germline.
Comment: This sequence change replaces alanine, which is neutral and non-polar, with threonine, which is neutral and polar, at codon 55 of the HSD17B4 protein (p.Ala55Thr). This variant is present in population databases (rs780149071, gnomAD 0.003%). This variant has not been reported in the literature in individuals affected with HSD17B4-related conditions. ClinVar contains an entry for this variant (Variation ID: 1448723). Advanced modeling of protein sequence and biophysical properties (such as structural, functional, and spatial information, amino acid conservation, physicochemical variation, residue mobility, and thermodynamic stability) performed at Invitae indicates that this missense variant is expected to disrupt HSD17B4 protein function. In summary, the available evidence is currently insufficient to determine the role of this variant in disease. Therefore, it has been classified as a Variant of Uncertain Significance.

NM_000414.4(HSD17B4):c.163G>A (p.Ala55Thr)

Gene: HSD17B4 (hydroxysteroid 17-beta dehydrogenase 4; plus strand). Cytogenetic location: 5q23.1.
Variant type: single nucleotide variant.
Coding change: c.163G>A on transcript NM_000414.4 (MANE Select); coding-DNA position 163, G replaced by A.
Protein change: p.Ala55Thr; replaces alanine 55 with threonine.
Molecular consequence: missense variant. On other transcripts: 5 prime UTR variant (6), non-coding transcript variant (2).
Genome position (GRCh38, 1-based): chr5:119,473,958, G>A. VCF-style: chr5-119473958-G-A. GRCh37 (hg19) VCF-style: chr5-118809653-G-A.
Other names: c.238G>A, p.Ala80Thr (NM_001199291.3); c.109G>A, p.Ala37Thr (NM_001199292.2); c.91G>A, p.Ala31Thr (NM_001292027.2); c.-249G>A (NM_001292028.2, NM_001374501.1); c.163G>A, p.Ala55Thr (NM_001374497.1, NM_001374498.1); c.-118G>A (NM_001374499.1); c.-376G>A (NM_001374500.1); c.-254G>A (NM_001374502.1, NM_001374503.1); short protein forms A31T, A55T, A37T, A80T.
Identifiers: ClinVar variation 1448723 (VCV001448723.4), dbSNP rs780149071, ClinGen allele CA3381705.